The following is an entry in ClinVar:

ClinVar aggregate classification (germline): Benign. Review status: criteria provided, multiple submitters, no conflicts (2 of 4 stars). 2 submissions from 2 submitters: Benign (2). Last evaluated 2016-03-29.

Allele frequency attached by ClinVar (database versions not stated): 1000 Genomes Project 0.08466; gnomAD exomes 0.36248; ExAC 0.38278.

Submissions (2):

Laboratory for Molecular Medicine, Mass General Brigham Personalized Medicine
Classification: Benign. Last evaluated: 2016-03-29. Review status: criteria provided, single submitter. Criteria: LMM Criteria. Collection method: clinical testing. Allele origin: germline.
Comment: Variant identified in a genome or exome case(s) and assessed due to predicted null impact of the variant or pathogenic assertions in the literature or databases. Disclaimer: This variant has not undergone full assessment. The following are preliminary notes: Frequency

Breakthrough Genomics
Classification: Benign. Review status: criteria provided, single submitter. Criteria: ACMG Guidelines, 2015. Collection method: not provided. Allele origin: germline. Inheritance: Unknown mechanism. Affected: yes.

NM_018406.7(MUC4):c.3723A>T (p.Ala1241=)

Gene: MUC4 (mucin 4, cell surface associated). Cytogenetic location: 3q29.
Variant type: single nucleotide variant.
Coding change: c.3723A>T on transcript NM_018406.7 (MANE Select); coding-DNA position 3723, A replaced by T.
Protein change: p.Ala1241=; no amino-acid change (alanine 1241 retained).
Molecular consequence: synonymous variant. On other transcripts: genic upstream transcript variant (2).
Genome position (GRCh38, 1-based): chr3:195,787,857, T>A on the plus strand (A>T on the coding strand, the complement: MUC4 is on the minus strand). VCF-style: chr3-195787857-T-A. GRCh37 (hg19) VCF-style: chr3-195514728-T-A.
Other names: c.4602A>T, p.Ala1534= (NM_001322468.1); c.83-13552A>T (NM_138297.5); c.83-9402A>T (NM_004532.6).
Identifiers: ClinVar variation 403123 (VCV000403123.5), dbSNP rs530253873, ClinGen allele CA2774463.
Genomic context (GRCh38, chr3:195,787,857, plus strand): 5'-CTGACCTGTGGATGCTGAGGAAGTGTCGGTGACAGGAAGAGGGGTGGTGTGACCTGTGGA[T>A]GCTGCGGAAGGGATGGTTACAGGAAGAGAGGTGGCGTGATCTGTGGACACTGAGGAAGCG-3'
Protein context (NP_060876.5, residues 1231-1251): TSLPVTIPSA[Ala1241=]STGHTTPLPV